The following is an entry in ClinVar:

ClinVar aggregate classification (germline): Uncertain significance. Review status: criteria provided, multiple submitters, no conflicts (2 of 4 stars). 4 submissions from 4 submitters: Uncertain significance (4). Last evaluated 2023-11-09.

Conditions:
Hereditary cancer-predisposing syndrome. Also called: Tumor predisposition; Hereditary Cancer Syndrome; Neoplastic Syndromes, Hereditary; Hereditary neoplastic syndrome. Identifiers: Orphanet 140162, MedGen C0027672, MeSH D009386, MONDO:0015356.
Hereditary nonpolyposis colorectal neoplasms. Identifiers: MedGen C0009405, MeSH D003123.

Allele frequency attached by ClinVar (database versions not stated): gnomAD exomes 0.00001; ExAC 0.00002.
gnomAD v4.1: 3 of 1,613,056 alleles (0.00019%); highest among the groups gnomAD compares: Non-Finnish European, 0.00025%; no homozygotes.

Submissions (4):

Labcorp Genetics (formerly Invitae), Labcorp
Classification: Uncertain significance for Hereditary nonpolyposis colorectal neoplasms. Last evaluated: 2023-11-09. Review status: criteria provided, single submitter. Criteria: Invitae Variant Classification Sherloc (09022015). Collection method: clinical testing. Allele origin: germline.
Comment: This sequence change replaces alanine, which is neutral and non-polar, with proline, which is neutral and non-polar, at codon 842 of the MSH6 protein (p.Ala842Pro). This variant is present in population databases (rs746143003, gnomAD 0.002%). This variant has not been reported in the literature in individuals affected with MSH6-related conditions. ClinVar contains an entry for this variant (Variation ID: 627747). Advanced modeling of protein sequence and biophysical properties (such as structural, functional, and spatial information, amino acid conservation, physicochemical variation, residue mobility, and thermodynamic stability) has been performed at Invitae for this missense variant, however the output from this modeling did not meet the statistical confidence thresholds required to predict the impact of this variant on MSH6 protein function. In summary, the available evidence is currently insufficient to determine the role of this variant in disease. Therefore, it has been classified as a Variant of Uncertain Significance.

Ambry Genetics
Classification: Uncertain significance for Hereditary cancer-predisposing syndrome. Last evaluated: 2023-11-01. Review status: criteria provided, single submitter. Criteria: Ambry Variant Classification Scheme 2023. Collection method: clinical testing. Allele origin: germline.
Comment: The p.A842P variant (also known as c.2524G>C), located in coding exon 4 of the MSH6 gene, results from a G to C substitution at nucleotide position 2524. The alanine at codon 842 is replaced by proline, an amino acid with highly similar properties. This amino acid position is highly conserved in available vertebrate species. In addition, this alteration is predicted to be deleterious by in silico analysis. Since supporting evidence is limited at this time, the clinical significance of this alteration remains unclear.

GeneDx
Classification: Uncertain significance. Last evaluated: 2023-07-05. Review status: criteria provided, single submitter. Criteria: GeneDx Variant Classification Process June 2021. Collection method: clinical testing. Allele origin: germline. Affected: yes.
Comment: Not observed at significant frequency in large population cohorts (gnomAD); In silico analysis supports that this missense variant has a deleterious effect on protein structure/function; Has not been previously published as pathogenic or benign to our knowledge; This variant is associated with the following publications: (PMID: 17531815, 21120944)

Color Diagnostics, LLC DBA Color Health
Classification: Uncertain significance for Hereditary cancer-predisposing syndrome. Last evaluated: 2018-09-05. Review status: criteria provided, single submitter. Criteria: ACMG Guidelines, 2015. Collection method: clinical testing. Allele origin: germline.

NM_000179.3(MSH6):c.2524G>C (p.Ala842Pro)

Gene: MSH6 (mutS homolog 6; plus strand). Cytogenetic location: 2p16.3.
Variant type: single nucleotide variant.
Coding change: c.2524G>C on transcript NM_000179.3 (MANE Select); coding-DNA position 2524, G replaced by C.
Protein change: p.Ala842Pro; replaces alanine 842 with proline.
Molecular consequence: missense variant.
Genome position (GRCh38, 1-based): chr2:47,800,507, G>C. VCF-style: chr2-47800507-G-C. GRCh37 (hg19) VCF-style: chr2-48027646-G-C.
Other names: c.2134G>C, p.Ala712Pro (NM_001281492.2); c.1618G>C, p.Ala540Pro (NM_001281493.2, NM_001281494.2); short protein forms A842P, A712P, A540P.
Identifiers: ClinVar variation 627747 (VCV000627747.10), dbSNP rs746143003, ClinGen allele CA069145.